The following is an entry in ClinVar:

NM_000264.5(PTCH1):c.2854_2862del (p.Lys952_Asp954del)

Gene: PTCH1 (patched 1; minus strand). Cytogenetic location: 9q22.32.
Variant type: Deletion.
Coding change: c.2854_2862del on transcript NM_000264.5 (MANE Select); coding-DNA positions 2854 to 2862, 9 bases deleted (AAAGCCGAC; older notation c.2854_2862delAAAGCCGAC).
Protein change: p.Lys952_Asp954del.
Molecular consequence: inframe indel (on NM_000264.3). On other transcripts: non-coding transcript variant (1).
Genome position (GRCh38, 1-based): chr9:95,459,625-95,459,633, GTCGGCTTT deleted on the plus strand (AAAGCCGAC on the coding strand, the reverse complement: PTCH1 is on the minus strand); deleting any 9 consecutive bases within chr9:95,459,625-95,459,637 gives the same sequence; the c. name uses the placement nearest the transcript's 3' end. VCF-style (leftmost placement, unchanged base first): chr9-95459624-AGTCGGCTTT-A. GRCh37 (hg19) VCF-style: chr9-98221906-AGTCGGCTTT-A.
Other names: c.2850_2858delCGACAAAGC, p.Lys952_Asp954del (NM_000264.3); c.2656_2664del, p.Lys886_Asp888del (NM_001083602.3); c.2851_2859del, p.Lys951_Asp953del (NM_001083603.3); c.2401_2409del, p.Lys801_Asp803del (NM_001083604.3, NM_001083605.3, NM_001083606.3 and 1 more transcripts); c.2698_2706del, p.Lys900_Asp902del (NM_001354918.2).
Identifiers: ClinVar variation 3359750 (VCV003359750.1).

ClinVar aggregate classification (germline): Uncertain significance (1 of 4 stars; one submission).

Submission:

GeneDx
Classification: Uncertain significance. Last evaluated: 2023-06-10. Review status: criteria provided, single submitter. Criteria: GeneDx Variant Classification Process June 2021. Collection method: clinical testing. Allele origin: germline. Affected: yes.
Comment: In-frame deletion of 3 amino acids in a non-repeat region; Not observed at significant frequency in large population cohorts (gnomAD); In silico analysis supports that this variant does not alter protein structure/function; Has not been previously published as pathogenic or benign to our knowledge; This variant is associated with the following publications: (PMID: 8906794)